The following is an entry in ClinVar:

ClinVar aggregate classification (germline): Benign (1 of 4 stars; one submission).

Allele frequency attached by ClinVar (database versions not stated): 1000 Genomes Project 0.46945; 1000 Genomes Project 30x 0.48360; gnomAD 0.55777 and 0.57070; TOPMed 0.56248.
gnomAD v4.1: 84,786 of 152,108 alleles (56%); highest among the groups gnomAD compares: African/African-American, 66%; 24,366 homozygotes.

Submission:

GeneDx
Classification: Benign. Last evaluated: 2018-06-15. Review status: criteria provided, single submitter. Criteria: GeneDx Variant Classification (06012015). Collection method: clinical testing. Allele origin: germline. Affected: yes.
Comment: This variant is considered likely benign or benign based on one or more of the following criteria: it is a conservative change, it occurs at a poorly conserved position in the protein, it is predicted to be benign by multiple in silico algorithms, and/or has population frequency not consistent with disease.

NM_020975.6(RET):c.2137-167T>C

Gene: RET (ret proto-oncogene; plus strand). Cytogenetic location: 10q11.21.
Variant type: single nucleotide variant.
Coding change: c.2137-167T>C on transcript NM_020975.6 (MANE Select); 167 bases into the intron before coding-DNA position 2137, T replaced by C.
Molecular consequence: intron variant.
Genome position (GRCh38, 1-based): chr10:43,116,417, T>C. VCF-style: chr10-43116417-T-C. GRCh37 (hg19) VCF-style: chr10-43611865-T-C.
Other names: c.2008-167T>C (NM_001406761.1, NM_001406764.1, NM_001406762.1); c.1873-167T>C (NM_001406768.1); c.1612-167T>C (NM_001406774.1); c.1111-167T>C (NM_001406786.1, NM_001406783.1); c.1849-167T>C (NM_001406770.1, NM_001406766.1, NM_001406767.1); c.1411-167T>C (NM_001406778.1, NM_001406775.1, NM_001406776.1 and 1 more transcripts); c.952-167T>C (NM_001406790.1, NM_001406788.1, NM_001406789.1); c.832-167T>C (NM_001406791.1); and 10 more.
Identifiers: ClinVar variation 677053 (VCV000677053.3), dbSNP rs2256550, ClinGen allele CA13188625.